The following is an entry in ClinVar:

ClinVar aggregate classification (germline): Likely benign. Review status: criteria provided, multiple submitters, no conflicts (2 of 4 stars). 2 submissions from 2 submitters: Likely benign (2). Last evaluated 2025-10-20.

Conditions:
Diffuse cerebral and cerebellar atrophy - intractable seizures - progressive microcephaly syndrome. Also called: Microcephaly, progressive, with seizures and cerebral and cerebellar atrophy. Identifiers: Orphanet 404437, MedGen C4014239, MONDO:0014335, OMIM 615760.

Allele frequency attached by ClinVar (database versions not stated): TOPMed below 0.00001; ExAC 0.00001; gnomAD 0.00001; gnomAD exomes 0.00001.
gnomAD v4.1: 13 of 1,614,086 alleles (0.00081%); highest among the groups gnomAD compares: Non-Finnish European, 0.0011%; no homozygotes.

Submissions (2):

Labcorp Genetics (formerly Invitae), Labcorp
Classification: Likely benign for Diffuse cerebral and cerebellar atrophy - intractable seizures - progressive microcephaly syndrome. Last evaluated: 2025-10-20. Review status: criteria provided, single submitter. Criteria: Invitae Variant Classification Sherloc (09022015). Collection method: clinical testing. Allele origin: germline.

GeneDx
Classification: Likely benign. Last evaluated: 2016-08-02. Review status: criteria provided, single submitter. Criteria: GeneDx Variant Classification (06012015). Collection method: clinical testing. Allele origin: germline. Affected: yes.
Comment: This variant is considered likely benign or benign based on one or more of the following criteria: it is a conservative change, it occurs at a poorly conserved position in the protein, it is predicted to be benign by multiple in silico algorithms, and/or has population frequency not consistent with disease.

NM_005051.3(QARS1):c.2151+11G>T

Gene: QARS1 (glutaminyl-tRNA synthetase 1; minus strand). Cytogenetic location: 3p21.31.
Variant type: single nucleotide variant.
Coding change: c.2151+11G>T on transcript NM_005051.3 (MANE Select); 11 bases into the intron after coding-DNA position 2151, G replaced by T.
Molecular consequence: intron variant.
Genome position (GRCh38, 1-based): chr3:49,098,181, C>A on the plus strand (G>T on the coding strand, the complement: QARS1 is on the minus strand). VCF-style: chr3-49098181-C-A. GRCh37 (hg19) VCF-style: chr3-49135614-C-A.
Other names: c.2118+11G>T (NM_001272073.2).
Identifiers: ClinVar variation 388111 (VCV000388111.9), dbSNP rs774818694, ClinGen allele CA2391505.